The following is an entry in ClinVar:

NM_005055.5(RAPSN):c.677T>A (p.Met226Lys)

Gene: RAPSN (receptor associated protein of the synapse; minus strand). Cytogenetic location: 11p11.2.
Variant type: single nucleotide variant.
Coding change: c.677T>A on transcript NM_005055.5 (MANE Select); coding-DNA position 677, T replaced by A.
Protein change: p.Met226Lys; replaces methionine 226 with lysine.
Molecular consequence: missense variant.
Genome position (GRCh38, 1-based): chr11:47,442,669, A>T on the plus strand (T>A on the coding strand, the complement: RAPSN is on the minus strand). VCF-style: chr11-47442669-A-T. GRCh37 (hg19) VCF-style: chr11-47464221-A-T.
Other names: NM_032645.5:c.677T>A; c.677T>A, p.Met226Lys (NM_032645.5); short protein forms M226K.
Identifiers: ClinVar variation 3236661 (VCV003236661.1), dbSNP rs2496106627, ClinGen allele CA380331620.
Genomic context (GRCh38, chr11:47,442,669, plus strand): 5'-GCCCACACCACCTCATCCCCGACCTGCCCCCTTCCCCGCTGCCCCACCTCACAACACTCC[A>T]TGGCACTGCCCAGGCGGCCCAGCAGGCGATAGGCCACGGCCATGTGGTACTGGCTCATGG-3'
Protein context (NP_005046.2, residues 216-236): YRLLGRLGSA[Met226Lys]ECCEESMKIA

ClinVar aggregate classification (germline): Uncertain significance (1 of 4 stars; one submission).

Conditions:
Congenital myasthenic syndrome 11. Also called: Myasthenic syndrome, congenital, 11, associated with acetylcholine receptor deficiency; MYASTHENIC SYNDROME, CONGENITAL, Ie. Identifiers: Orphanet 590, MedGen C4225367, MONDO:0014588, OMIM 616326.

Submission:

Broad Center for Mendelian Genomics, Broad Institute of MIT and Harvard
Classification: Uncertain significance for Congenital myasthenic syndrome 11. Last evaluated: 2024-05-13. Review status: criteria provided, single submitter. Criteria: ACMG Guidelines, 2015. Collection method: curation. Allele origin: germline. Inheritance: Autosomal recessive inheritance.
Comment: The phase of these variants are unknown at this time. This variant has not been previously reported in individuals with congenital myasthenic syndrome 11 and was absent from large population studies. Computational prediction tools and conservation analyses do not provide strong support for or against an impact to the protein. In summary, the clinical significance of the p.Met226Lys variant is uncertain. ACMG/AMP Criteria applied: PM2_Supporting (Richards 2015).